The following is an entry in ClinVar:

NM_012330.4(KAT6B):c.2014A>G (p.Ile672Val)

Gene: KAT6B (lysine acetyltransferase 6B; plus strand). Cytogenetic location: 10q22.2.
Variant type: single nucleotide variant.
Coding change: c.2014A>G on transcript NM_012330.4 (MANE Select); coding-DNA position 2014, A replaced by G.
Protein change: p.Ile672Val; replaces isoleucine 672 with valine.
Molecular consequence: missense variant. On other transcripts: intron variant (3).
Genome position (GRCh38, 1-based): chr10:74,977,336, A>G. VCF-style: chr10-74977336-A-G. GRCh37 (hg19) VCF-style: chr10-76737094-A-G.
Other names: c.2014A>G (NM_012330.2); c.1465A>G, p.Ile489Val (NM_001256468.2, NM_001370138.1); c.1138A>G, p.Ile380Val (NM_001256469.2, NM_001370132.1, NM_001370139.1 and 3 more transcripts); c.2014A>G, p.Ile672Val (NM_001370136.1, NM_001370137.1); c.949A>G, p.Ile317Val (NM_001370143.1, NM_001370144.1); c.846+7561A>G (NM_001370133.1); c.193-1888A>G (NM_001370134.1); c.193-11683A>G (NM_001370135.1); short protein forms I317V, I380V, I489V, I672V.
Identifiers: ClinVar variation 1435542 (VCV001435542.10), dbSNP rs757770040, ClinGen allele CA5564511.
Genomic context (GRCh38, chr10:74,977,336, plus strand): 5'-CAAGTCAGTGAATACACTTTCTGCTGGTTTTAAATGACAGATACTGAAATAAAAATAAAC[A>G]TCAAACAAGAAAGTGCAGATGTAAATGTGATTGGAAACAAGGATGTCGTTACTGAAGAGG-3'
Protein context (NP_036462.2, residues 662-682): QDDDTEIKIN[Ile672Val]KQESADVNVI

ClinVar aggregate classification (germline): Conflicting classifications of pathogenicity. Review status: criteria provided, conflicting classifications (1 of 4 stars). 2 submissions from 2 submitters: Uncertain significance (1); Likely benign (1). Last evaluated 2023-05-23.

Conditions:
Inborn genetic diseases. Identifiers: MedGen C0950123, MeSH D030342.
Genitopatellar syndrome (GTPTS). Also called: Genitopatellar syndrome (GPS); ABSENT PATELLAE, SCROTAL HYPOPLASIA, RENAL ANOMALIES, FACIAL DYSMORPHISM, AND MENTAL RETARDATION. Identifiers: Orphanet 85201, MedGen C1853566, MONDO:0011640, OMIM 606170.

Allele frequency attached by ClinVar (database versions not stated): gnomAD exomes 0.00001; TOPMed 0.00001; ExAC 0.00002; gnomAD 0.00001.
gnomAD v4.1: 6 of 1,613,668 alleles (0.00037%); highest among the groups gnomAD compares: Middle Eastern, 0.017%; no homozygotes.

Submissions (2):

Ambry Genetics
Classification: Likely benign for Inborn genetic diseases. Last evaluated: 2023-05-23. Review status: criteria provided, single submitter. Criteria: Ambry Variant Classification Scheme 2023. Collection method: clinical testing. Allele origin: germline.

Labcorp Genetics (formerly Invitae), Labcorp
Classification: Uncertain significance for Genitopatellar syndrome. Last evaluated: 2021-05-28. Review status: criteria provided, single submitter. Criteria: Invitae Variant Classification Sherloc (09022015). Collection method: clinical testing. Allele origin: germline.
Comment: Algorithms developed to predict the effect of missense changes on protein structure and function (SIFT, PolyPhen-2, Align-GVGD) all suggest that this variant is likely to be tolerated, but these predictions have not been confirmed by published functional studies and their clinical significance is uncertain. This sequence change replaces isoleucine with valine at codon 672 of the KAT6B protein (p.Ile672Val). The isoleucine residue is moderately conserved and there is a small physicochemical difference between isoleucine and valine. This variant is present in population databases (rs757770040, ExAC 0.01%). This variant has not been reported in the literature in individuals with KAT6B-related conditions. In summary, the available evidence is currently insufficient to determine the role of this variant in disease. Therefore, it has been classified as a Variant of Uncertain Significance.